The following is an entry in ClinVar:

ClinVar aggregate classification (germline): Pathogenic (1 of 4 stars; one submission).

Submission:

Labcorp Genetics (formerly Invitae), Labcorp
Classification: Pathogenic. Last evaluated: 2023-10-17. Review status: criteria provided, single submitter. Criteria: Invitae Variant Classification Sherloc (09022015). Collection method: clinical testing. Allele origin: unknown.
Comment: This variant is a gross deletion of the genomic region encompassing exon(s) 18 of the ADCY10 gene. This deletion is out-of-frame, and is expected to create a premature termination codon and result in an absent or disrupted protein product. Loss-of-function variants in ADCY10 are known to be pathogenic (PMID: 31119281). This variant has not been reported in the literature in individuals affected with ADCY10-related conditions. For these reasons, this variant has been classified as Pathogenic.

Literature cited by the submitters: PubMed 31119281.

NC_000001.10:g.(?_167823571)_(167823747_?)del

Gene: ADCY10 (adenylate cyclase 10; minus strand). Cytogenetic location: 1q24.2.
Variant type: Deletion.
Identifiers: ClinVar variation 3248011 (VCV003248011.1).